The following is an entry in ClinVar:

NM_005148.4(UNC119):c.481A>G (p.Met161Val)

Gene: UNC119 (unc-119 lipid binding chaperone; minus strand). Cytogenetic location: 17q11.2.
Variant type: single nucleotide variant.
Coding change: c.481A>G on transcript NM_005148.4 (MANE Select); coding-DNA position 481, A replaced by G.
Protein change: p.Met161Val; replaces methionine 161 with valine.
Molecular consequence: missense variant.
Genome position (GRCh38, 1-based): chr17:28,547,806, T>C on the plus strand (A>G on the coding strand, the complement: UNC119 is on the minus strand). VCF-style: chr17-28547806-T-C. GRCh37 (hg19) VCF-style: chr17-26874824-T-C.
Other names: c.196A>G, p.Met66Val (NM_001330166.2); c.481A>G, p.Met161Val (NM_054035.2); short protein forms M161V, M66V.
Identifiers: ClinVar variation 1349887 (VCV001349887.6), dbSNP rs1317539504, ClinGen allele CA398330831.
Genomic context (GRCh38, chr17:28,547,806, plus strand): 5'-AGCCAAAGTGGAAGTCGAAGCTTTTGAGTAGCTGGTTGCGGAAGTAGTGCCTCTCGATCA[T>C]GCGGAAGTTGTTGACAGGCTTGTCTCCCACTGTGAACTCCACCCTGAGCAAGAAAAGGAG-3'
Protein context (NP_005139.1, residues 151-171): VGDKPVNNFR[Met161Val]IERHYFRNQL

ClinVar aggregate classification (germline): Uncertain significance (1 of 4 stars; one submission).

Submission:

Labcorp Genetics (formerly Invitae), Labcorp
Classification: Uncertain significance. Last evaluated: 2023-10-03. Review status: criteria provided, single submitter. Criteria: Invitae Variant Classification Sherloc (09022015). Collection method: clinical testing. Allele origin: germline.
Comment: This sequence change replaces methionine, which is neutral and non-polar, with valine, which is neutral and non-polar, at codon 161 of the UNC119 protein (p.Met161Val). This variant is not present in population databases (gnomAD no frequency). This variant has not been reported in the literature in individuals affected with UNC119-related conditions. ClinVar contains an entry for this variant (Variation ID: 1349887). An algorithm developed to predict the effect of missense changes on protein structure and function (PolyPhen-2) suggests that this variant is likely to be disruptive. In summary, the available evidence is currently insufficient to determine the role of this variant in disease. Therefore, it has been classified as a Variant of Uncertain Significance.